The following is an entry in ClinVar:

NM_000388.4(CASR):c.591G>A (p.Met197Ile)

Gene: CASR (calcium sensing receptor; plus strand). Cytogenetic location: 3q21.1.
Variant type: single nucleotide variant.
Coding change: c.591G>A on transcript NM_000388.4 (MANE Select); coding-DNA position 591, G replaced by A.
Protein change: p.Met197Ile; replaces methionine 197 with isoleucine.
Molecular consequence: missense variant.
Genome position (GRCh38, 1-based): chr3:122,261,626, G>A. VCF-style: chr3-122261626-G-A. GRCh37 (hg19) VCF-style: chr3-121980473-G-A.
Other names: c.591G>A, p.Met197Ile (NM_001178065.2); short protein forms M197I.
Identifiers: ClinVar variation 1721388 (VCV001721388.6), dbSNP rs2473225532, ClinGen allele CA354150915.

ClinVar aggregate classification (germline): Uncertain significance (1 of 4 stars; one submission).

Conditions:
Familial hypocalciuric hypercalcemia (FHH). Also called: Familial benign hypercalcemia. Identifiers: Orphanet 405, MedGen C1809471, MONDO:0018458.
Autosomal dominant hypocalcemia 1 (HYPOC1). Also called: HYPOCALCEMIA, FAMILIAL. Identifiers: MedGen C3715128, MONDO:0011013, OMIM 601198.

Submission:

Labcorp Genetics (formerly Invitae), Labcorp
Classification: Uncertain significance for Familial hypocalciuric hypercalcemia; Autosomal dominant hypocalcemia 1. Last evaluated: 2022-10-11. Review status: criteria provided, single submitter. Criteria: Invitae Variant Classification Sherloc (09022015). Collection method: clinical testing. Allele origin: germline.
Comment: In summary, the available evidence is currently insufficient to determine the role of this variant in disease. Therefore, it has been classified as a Variant of Uncertain Significance. Algorithms developed to predict the effect of missense changes on protein structure and function are either unavailable or do not agree on the potential impact of this missense change (SIFT: "Deleterious"; PolyPhen-2: "Possibly Damaging"; Align-GVGD: "Class C0"). This variant has not been reported in the literature in individuals affected with CASR-related conditions. This variant is not present in population databases (gnomAD no frequency). This sequence change replaces methionine, which is neutral and non-polar, with isoleucine, which is neutral and non-polar, at codon 197 of the CASR protein (p.Met197Ile).